The following is an entry in ClinVar:

ClinVar aggregate classification (germline): Uncertain significance (1 of 4 stars; one submission).

Conditions:
Hereditary breast ovarian cancer syndrome. Also called: Hereditary breast and ovarian cancer syndrome (HBOC); BRCA1- and BRCA2-Associated Hereditary Breast and Ovarian Cancer; Hereditary breast and ovarian cancer syndrome; Breast and ovarian cancer; Hereditary breast and ovarian cancer; Hereditary breast and/or ovarian cancer syndrome. Identifiers: Orphanet 145, MedGen C0677776, MeSH D061325, MONDO:0003582. Disease mechanism: loss of function.

Submission:

Labcorp Genetics (formerly Invitae), Labcorp
Classification: Uncertain significance for Hereditary breast ovarian cancer syndrome. Last evaluated: 2017-12-15. Review status: criteria provided, single submitter. Criteria: Invitae Variant Classification Sherloc (09022015). Collection method: clinical testing. Allele origin: germline.
Comment: This variant is not present in population databases (ExAC no frequency). This variant, c.9065_9073delGAGCTAACA, results in the deletion of 3 amino acids of the BRCA2 protein (p.Arg3022_Asn3024del), but otherwise preserves the integrity of the reading frame. This variant has not been reported in the literature in individuals with BRCA2-related disease. In summary, the available evidence is currently insufficient to determine the role of this variant in disease. Therefore, it has been classified as a Variant of Uncertain Significance. Experimental studies and prediction algorithms are not available for this variant, and the functional significance of the deleted amino acids is currently unknown.

NM_000059.4(BRCA2):c.9065_9073del (p.Arg3022_Asn3024del)

Gene: BRCA2 (BRCA2 DNA repair associated; plus strand). Cytogenetic location: 13q13.1.
Variant type: Deletion.
Coding change: c.9065_9073del on transcript NM_000059.4 (MANE Select); coding-DNA positions 9065 to 9073, 9 bases deleted (GAGCTAACA; older notation c.9065_9073delGAGCTAACA).
Protein change: p.Arg3022_Asn3024del.
Molecular consequence: inframe deletion.
Genome position (GRCh38, 1-based): chr13:32,379,861-32,379,869, GAGCTAACA deleted; deleting any 9 consecutive bases within chr13:32,379,860-32,379,869 gives the same sequence; the c. name uses the placement nearest the transcript's 3' end. VCF-style (leftmost placement, unchanged base first): chr13-32379859-AAGAGCTAAC-A. GRCh37 (hg19) VCF-style: chr13-32953996-AAGAGCTAAC-A.
Other names: c.9065_9073delGAGCTAACA (NM_000059.3).
Identifiers: ClinVar variation 531300 (VCV000531300.9), dbSNP rs1555288478, ClinGen allele CA658798073.